The following is an entry in ClinVar:

ClinVar aggregate classification (germline): Benign/Likely benign. Review status: criteria provided, multiple submitters, no conflicts (2 of 4 stars). 5 submissions from 5 submitters: Benign (2); Likely benign (3). Last evaluated 2026-02-02.

Conditions:
Polyglucosan body myopathy type 1 (PGBM1). Also called: POLYGLUCOSAN BODY MYOPATHY WITHOUT IMMUNODEFICIENCY; Polyglucosan body myopathy 1 with or without immunodeficiency. Identifiers: Orphanet 329173, Orphanet 397937, MedGen C4014605, MONDO:0014389, OMIM 615895.

Allele frequency attached by ClinVar (database versions not stated): 1000 Genomes Project 30x 0.00047; 1000 Genomes Project 0.00060; ExAC 0.00120; gnomAD exomes 0.00128 and 0.00196; gnomAD 0.00151 and 0.00153; TOPMed 0.00153; ESP Exome Variant Server 0.00161.
gnomAD v4.1: 3,070 of 1,610,368 alleles (0.19%); highest among the groups gnomAD compares: Non-Finnish European, 0.23%; 3 homozygotes.

Submissions (5):

Labcorp Genetics (formerly Invitae), Labcorp
Classification: Benign for Polyglucosan body myopathy type 1. Last evaluated: 2026-02-02. Review status: criteria provided, single submitter. Criteria: Invitae Variant Classification Sherloc (09022015). Collection method: clinical testing. Allele origin: germline.

ARUP Laboratories, Molecular Genetics and Genomics, ARUP Laboratories
Classification: Likely benign for Polyglucosan body myopathy type 1. Last evaluated: 2025-03-11. Review status: criteria provided, single submitter. Criteria: ARUP Molecular Germline Variant Investigation Process 2024. Collection method: clinical testing. Allele origin: germline.

Mayo Clinic Laboratories, Mayo Clinic
Classification: Likely benign. Last evaluated: 2024-11-29. Review status: criteria provided, single submitter. Criteria: ACMG Guidelines, 2015. Collection method: clinical testing. Allele origin: germline. Observed: 7 variant alleles.
Comment: BS1, BP4, BP7

Blueprint Genetics
Classification: Likely benign. Last evaluated: 2024-11-28. Review status: criteria provided, single submitter. Criteria: ACMG Guidelines, 2015. Collection method: clinical testing. Allele origin: germline.

Breakthrough Genomics
Classification: Benign. Review status: criteria provided, single submitter. Criteria: ACMG Guidelines, 2015. Collection method: not provided. Allele origin: germline. Inheritance: Autosomal recessive inheritance. Affected: yes.

NM_031229.4(RBCK1):c.168-20G>T

Gene: RBCK1 (RANBP2-type and C3HC4-type zinc finger containing 1; plus strand). Cytogenetic location: 20p13.
Variant type: single nucleotide variant.
Coding change: c.168-20G>T on transcript NM_031229.4 (MANE Select); 20 bases into the intron before coding-DNA position 168, G replaced by T.
Molecular consequence: intron variant.
Genome position (GRCh38, 1-based): chr20:417,506, G>T. VCF-style: chr20-417506-G-T. GRCh37 (hg19) VCF-style: chr20-398150-G-T.
Other names: p.?; c.-182-20G>T (NM_001323956.2, NM_001323958.2); c.42-20G>T (NM_006462.6).
Identifiers: ClinVar variation 1169162 (VCV001169162.13), dbSNP rs149174797, ClinGen allele CA9722993.